The following is an entry in ClinVar:

ClinVar aggregate classification (germline): Likely pathogenic (1 of 4 stars; one submission).

Conditions:
Deficiency of alpha-mannosidase (MANSA). Also called: Mannosidosis, alpha-, types I and II; LYSOSOMAL ALPHA-D-MANNOSIDASE DEFICIENCY; Alpha-Mannosidosis. Identifiers: Orphanet 61, MedGen C0024748, MONDO:0009561, OMIM 248500.

Submission:

Molecular Genetics, Royal Melbourne Hospital
Classification: Likely pathogenic for Deficiency of alpha-mannosidase. Last evaluated: 2021-05-12. Review status: criteria provided, single submitter. Criteria: ACMG Guidelines, 2015. Collection method: clinical testing. Allele origin: germline. Affected: no.
Comment: This sequence change is a deletion of 1 bp in exon 2 (of 24) of MAN2B1 that is predicted to create a premature termination codon at position 63 (p.(Cys55Alafs*9)). It is expected to result in nonsense mediated decay in a gene where loss of function is an established mechanism of disease (ClinGen). The variant is absent in a large population cohort (gnomAD v2.1 and v3.1), and has not been reported in the relevant medical literature and databases. Based on the classification scheme RMH Modified ACMG Guidelines v1.3.2, this variant is classified as LIKELY PATHOGENIC. Following criteria are met: PVS1, PM2_Supporting.

NM_000528.4(MAN2B1):c.162del (p.Cys55fs)

Gene: MAN2B1 (mannosidase alpha class 2B member 1; minus strand). Cytogenetic location: 19p13.13.
Variant type: Deletion.
Coding change: c.162del on transcript NM_000528.4 (MANE Select); coding-DNA position 162, one base deleted (A; older notation c.162delA).
Protein change: p.Cys55fs; shifts the reading frame from cysteine 55.
Molecular consequence: frameshift variant.
Genome position (GRCh38, 1-based): chr19:12,665,803, T deleted on the plus strand (A on the coding strand, the reverse complement: MAN2B1 is on the minus strand). VCF-style (leftmost placement, unchanged base first): chr19-12665802-AT-A. GRCh37 (hg19) VCF-style: chr19-12776616-AT-A.
Other names: c.162delA (NM_000528.4); c.162del, p.Cys55fs (NM_001173498.2); short protein forms C55fs.
Identifiers: ClinVar variation 1676250 (VCV001676250.2), dbSNP rs2145290970, ClinGen allele CA1139771323.